The following is an entry in ClinVar:

ClinVar aggregate classification (germline): Uncertain significance (1 of 4 stars; one submission).

Submission:

GeneDx
Classification: Uncertain significance. Last evaluated: 2022-06-27. Review status: criteria provided, single submitter. Criteria: GeneDx Variant Classification Process June 2021. Collection method: clinical testing. Allele origin: germline. Affected: yes.
Comment: Not observed at significant frequency in large population cohorts (gnomAD); In silico analysis supports that this missense variant has a deleterious effect on protein structure/function; Has not been previously published as pathogenic or benign to our knowledge

NM_006922.4(SCN3A):c.3628A>T (p.Thr1210Ser)

Gene: SCN3A (sodium voltage-gated channel alpha subunit 3; minus strand). Cytogenetic location: 2q24.3.
Variant type: single nucleotide variant.
Coding change: c.3628A>T on transcript NM_006922.4 (MANE Select); coding-DNA position 3628, A replaced by T.
Protein change: p.Thr1210Ser; replaces threonine 1210 with serine.
Molecular consequence: missense variant.
Genome position (GRCh38, 1-based): chr2:165,113,857, T>A on the plus strand (A>T on the coding strand, the complement: SCN3A is on the minus strand). VCF-style: chr2-165113857-T-A. GRCh37 (hg19) VCF-style: chr2-165970367-T-A.
Other names: c.3481A>T, p.Thr1161Ser (NM_001081676.2, NM_001081677.2); short protein forms T1161S, T1210S.
Identifiers: ClinVar variation 1809840 (VCV001809840.1), dbSNP rs2468155579, ClinGen allele CA349033440.